The following is an entry in ClinVar:

ClinVar aggregate classification (germline): Pathogenic (0 of 4 stars; one submission).

Conditions:
Carcinoma of colon (CRC). Also called: Colonic carcinoma; Colon carcinoma. Identifiers: MedGen C0699790, MONDO:0002032.

Submission:

Department of Pathology and Laboratory Medicine, Sinai Health System
Classification: Pathogenic for Carcinoma of colon. Review status: no assertion criteria provided. Collection method: clinical testing. Allele origin: unknown. Affected: yes. Observed: 2 variant alleles. Study: The Canadian Open Genetics Repository (COGR).
Comment: The c.3439-?_3556+?del variant results in a deletion of exon 6, although the precise breakpoints of this deletion were not determined, nor were the effects of this variant on the resulting mRNA or protein product determined. The variant was not identified in the literature, nor was it identified in the dbSNP, NHLBI Exome Sequencing Project (Exome Variant Server), the Exome Aggregation Consortium, COSMIC, MutDB, â€šÃ„ÃºMismatch Repair Genes Variant Databaseâ€šÃ„Ã¹, â€šÃ„ÃºMMR Gene Unclassified Variants Databaseâ€šÃ„Ã¹, â€šÃ„ÃºInSiGHT Colon Cancer Databaseâ€šÃ„Ã¹, â€šÃ„ÃºZhejiang Colon Cancer Databaseâ€šÃ„Ã¹, the ClinVar database, GeneInsight COGR database, the ClinVitae database or the UMD database. This deletion is predicted to result in a truncation or absence of the MSH6 protein and loss of function. Loss of function variants of the MSH6 gene are an established mechanism of disease in Lynch Syndrome and is the type of variant expected to cause the disorder. In summary, based on the above information, this variant meets our laboratoryâ€šÃ„Ã´s criteria to be classified as pathogenic.

NM_000179.3(MSH6):c.3439-2_3556+1del

Gene: MSH6 (mutS homolog 6; plus strand). Cytogenetic location: 2p16.3.
Variant type: Deletion.
Coding change: c.3439-2_3556+1del on transcript NM_000179.3 (MANE Select); the canonical splice acceptor site of the intron before coding-DNA position 3439 through the canonical splice donor site of the intron after coding-DNA position 3556, 121 bases deleted.
Molecular consequence: splice acceptor variant, splice donor variant.
Genome position (GRCh38, 1-based): chr2:47,804,908-47,805,028, 121 bases deleted. GRCh37 (hg19): chr2:48,032,047-48,032,167.
Other names: c.2533-2_2650+1del (NM_001281493.2, NM_001281494.2); c.3049-2_3166+1del (NM_001281492.2).
Identifiers: ClinVar variation 1050027 (VCV001050027.1), dbSNP rs2104503689, ClinGen allele CA2499216127.